The following is an entry in ClinVar:

ClinVar aggregate classification (germline): Pathogenic. Review status: criteria provided, single submitter (1 of 4 stars). 2 submissions from 2 submitters: Pathogenic (1). 1 of the submissions does not count toward it. Last evaluated 2022-10-24.

Conditions:
Autosomal dominant Alport syndrome (ATS3A). Also called: ALPORT SYNDROME 3A, AUTOSOMAL DOMINANT; Alport syndrome dominant type; Renal failure and sensorineural hearing loss. Identifiers: Orphanet 63, Orphanet 88918, MedGen C5882663, MONDO:0007086, OMIM 104200.

Submissions (2):

Labcorp Genetics (formerly Invitae), Labcorp
Classification: Pathogenic. Last evaluated: 2022-10-24. Review status: criteria provided, single submitter. Criteria: Invitae Variant Classification Sherloc (09022015). Collection method: clinical testing. Allele origin: germline.
Comment: For these reasons, this variant has been classified as Pathogenic. Algorithms developed to predict the effect of sequence changes on RNA splicing suggest that this variant may disrupt the consensus splice site. ClinVar contains an entry for this variant (Variation ID: 812583). This variant has not been reported in the literature in individuals affected with COL4A4-related conditions. This variant is not present in population databases (gnomAD no frequency). This sequence change creates a premature translational stop signal (p.Gly199*) in the COL4A4 gene. It is expected to result in an absent or disrupted protein product. Loss-of-function variants in COL4A4 are known to be pathogenic (PMID: 21196518, 24854265, 25307543).

Institute of Human Genetics, Cologne University
Classification: Likely pathogenic for Autosomal dominant Alport syndrome. Review status: no assertion criteria provided. Collection method: clinical testing. Allele origin: germline. Affected: yes. Observed: 1 heterozygote. Not counted in ClinVar's aggregate classification.

Literature cited by the submitters: PubMed 21196518 (cited by Labcorp Genetics (formerly Invitae), Labcorp); PubMed 24854265 (cited by Labcorp Genetics (formerly Invitae), Labcorp); PubMed 25307543 (cited by Labcorp Genetics (formerly Invitae), Labcorp).

NM_000092.5(COL4A4):c.595G>T (p.Gly199Ter)

Gene: COL4A4 (collagen type IV alpha 4 chain; minus strand). Cytogenetic location: 2q36.3.
Variant type: single nucleotide variant.
Coding change: c.595G>T on transcript NM_000092.5 (MANE Select); coding-DNA position 595, G replaced by T.
Protein change: p.Gly199Ter; replaces glycine 199 with a stop codon.
Molecular consequence: nonsense.
Genome position (GRCh38, 1-based): chr2:227,109,286, C>A on the plus strand (G>T on the coding strand, the complement: COL4A4 is on the minus strand). VCF-style: chr2-227109286-C-A. GRCh37 (hg19) VCF-style: chr2-227974002-C-A.
Other names: short protein forms G199*.
Identifiers: ClinVar variation 812583 (VCV000812583.9), dbSNP rs750345987, ClinGen allele CA350859868.